The following is an entry in ClinVar:

ClinVar aggregate classification (germline): Uncertain significance. Review status: criteria provided, single submitter (1 of 4 stars). 2 submissions from 2 submitters: Uncertain significance (1). 1 of the submissions does not count toward it. Last evaluated 2022-11-04.

Submissions (2):

GeneDx
Classification: Uncertain significance. Last evaluated: 2022-11-04. Review status: criteria provided, single submitter. Criteria: GeneDx Variant Classification Process June 2021. Collection method: clinical testing. Allele origin: germline. Affected: yes.
Comment: Not observed at significant frequency in large population cohorts (gnomAD); In silico analysis supports that this missense variant does not alter protein structure/function; Has not been previously published as pathogenic or benign to our knowledge; Although located in a calcium-binding EGF-like domain of the FBN1 gene, it does not affect a cysteine residue within this domain; cysteine substitutions in the calcium-binding EGF-like domains represent the majority of pathogenic missense changes associated with FBN1-related disorders (Collod-Beroud et al., 2003)

Department of Pathology and Laboratory Medicine, Sinai Health System
Classification: Uncertain significance. Review status: no assertion criteria provided. Collection method: clinical testing. Allele origin: unknown. Affected: yes. Study: The Canadian Open Genetics Repository (COGR). Not counted in ClinVar's aggregate classification.
Comment: The FBN1 p.Glu2264Gly variant was not identified in the literature nor was it identified in dbSNP, ClinVar, LOVD 3.0 or in the following control databases: the 1000 Genomes Project, the NHLBI GO Exome Sequencing Project, or the Genome Aggregation Database (March 6, 2019, v2.1.1). The p.Glu2264 residue is not conserved in mammals and computational analyses (PolyPhen-2, SIFT, AlignGVGD, BLOSUM, MutationTaster) provide inconsistent predictions regarding the impact to the protein; this information is not very predictive of pathogenicity. The variant occurs outside of the splicing consensus sequence and in silico or computational prediction software programs (SpliceSiteFinder, MaxEntScan, NNSPLICE, GeneSplicer) do not predict a difference in splicing. In summary, based on the above information the clinical significance of this variant cannot be determined with certainty at this time. This variant is classified as a variant of uncertain significance.

NM_000138.5(FBN1):c.6791A>G (p.Glu2264Gly)

Gene: FBN1 (fibrillin 1; minus strand). Cytogenetic location: 15q21.1.
Variant type: single nucleotide variant.
Coding change: c.6791A>G on transcript NM_000138.5 (MANE Select); coding-DNA position 6791, A replaced by G.
Protein change: p.Glu2264Gly; replaces glutamic acid 2264 with glycine.
Molecular consequence: missense variant.
Genome position (GRCh38, 1-based): chr15:48,430,751, T>C on the plus strand (A>G on the coding strand, the complement: FBN1 is on the minus strand). VCF-style: chr15-48430751-T-C. GRCh37 (hg19) VCF-style: chr15-48722948-T-C.
Other names: c.6791A>G (NM_000138.4); short protein forms E2264G.
Identifiers: ClinVar variation 1049329 (VCV001049329.2), dbSNP rs2141232588, ClinGen allele CA392332522.